The following is an entry in ClinVar:

ClinVar aggregate classification (germline): Uncertain significance (1 of 4 stars; one submission).

Conditions:
Cardiovascular phenotype. Identifiers: MedGen CN230736.

Submission:

Ambry Genetics
Classification: Uncertain significance for Cardiovascular phenotype. Last evaluated: 2018-04-30. Review status: criteria provided, single submitter. Criteria: Ambry Variant Classification Scheme 2023. Collection method: clinical testing. Allele origin: germline.
Comment: The p.V709M variant (also known as c.2125G>A), located in coding exon 13 of the JUP gene, results from a G to A substitution at nucleotide position 2125. The valine at codon 709 is replaced by methionine, an amino acid with highly similar properties. This amino acid position is not well conserved in available vertebrate species, and methionine is the reference amino acid in other vertebrate species. In addition, this alteration is predicted to be tolerated by in silico analysis. Since supporting evidence is limited at this time, the clinical significance of this alteration remains unclear.

NM_002230.4(JUP):c.2125G>A (p.Val709Met)

Gene: JUP (junction plakoglobin; minus strand). Cytogenetic location: 17q21.2.
Variant type: single nucleotide variant.
Coding change: c.2125G>A on transcript NM_002230.4 (MANE Select); coding-DNA position 2125, G replaced by A.
Protein change: p.Val709Met; replaces valine 709 with methionine.
Molecular consequence: missense variant.
Genome position (GRCh38, 1-based): chr17:41,755,857, C>T on the plus strand (G>A on the coding strand, the complement: JUP is on the minus strand). VCF-style: chr17-41755857-C-T. GRCh37 (hg19) VCF-style: chr17-39912109-C-T.
Other names: c.2125G>A, p.Val709Met (NM_001352773.2, NM_001352774.2, NM_001352775.2 and 3 more transcripts); short protein forms V709M.
Identifiers: ClinVar variation 1786311 (VCV001786311.2), dbSNP rs2544008362, ClinGen allele CA399490672.